The following is an entry in ClinVar:

ClinVar aggregate classification (germline): Uncertain significance (1 of 4 stars; one submission).

gnomAD v4.1: 40 of 1,614,102 alleles (0.0025%); highest among the groups gnomAD compares: Non-Finnish European, 0.0031%; no homozygotes.

Submission:

Labcorp Genetics (formerly Invitae), Labcorp
Classification: Uncertain significance. Last evaluated: 2024-06-22. Review status: criteria provided, single submitter. Criteria: Invitae Variant Classification Sherloc (09022015). Collection method: clinical testing. Allele origin: germline.
Comment: This sequence change replaces histidine, which is basic and polar, with tyrosine, which is neutral and polar, at codon 1219 of the FBN3 protein (p.His1219Tyr). This variant is present in population databases (rs755861894, gnomAD 0.002%). This variant has not been reported in the literature in individuals affected with FBN3-related conditions. Algorithms developed to predict the effect of missense changes on protein structure and function output the following: SIFT: "Not Available"; PolyPhen-2: "Benign"; Align-GVGD: "Not Available". The tyrosine amino acid residue is found in multiple mammalian species, which suggests that this missense change does not adversely affect protein function. In summary, the available evidence is currently insufficient to determine the role of this variant in disease. Therefore, it has been classified as a Variant of Uncertain Significance.

NM_032447.5(FBN3):c.3655C>T (p.His1219Tyr)

Gene: FBN3 (fibrillin 3; minus strand). Cytogenetic location: 19p13.2.
Variant type: single nucleotide variant.
Coding change: c.3655C>T on transcript NM_032447.5 (MANE Select); coding-DNA position 3655, C replaced by T.
Protein change: p.His1219Tyr; replaces histidine 1219 with tyrosine.
Molecular consequence: missense variant.
Genome position (GRCh38, 1-based): chr19:8,116,731, G>A on the plus strand (C>T on the coding strand, the complement: FBN3 is on the minus strand). VCF-style: chr19-8116731-G-A. GRCh37 (hg19) VCF-style: chr19-8181615-G-A.
Other names: c.3655C>T, p.His1219Tyr (NM_001321431.2); short protein forms H1219Y.
Identifiers: ClinVar variation 3688332 (VCV003688332.2).
Genomic context (GRCh38, chr19:8,116,731, plus strand): 5'-CACCAACACATGTCCTCATGTCTGGCGTGGCCATGAAGCCATCATAGCACAGGCAGCGGT[G>A]ACCCCCTGGCATGTTGGTGCAGTGGCCTTGGTCACAAACGCGGGGGTTCTCTTCACACTC-3'
Protein context (NP_115823.3, residues 1209-1229): QGHCTNMPGG[His1219Tyr]RCLCYDGFMA